The following is an entry in ClinVar:

NM_015466.4(PTPN23):c.1278G>A (p.Ala426=)

Gene: PTPN23 (protein tyrosine phosphatase non-receptor type 23; plus strand). Cytogenetic location: 3p21.31.
Variant type: single nucleotide variant.
Coding change: c.1278G>A on transcript NM_015466.4 (MANE Select); coding-DNA position 1278, G replaced by A.
Protein change: p.Ala426=; no amino-acid change (alanine 426 retained).
Molecular consequence: synonymous variant.
Genome position (GRCh38, 1-based): chr3:47,408,438, G>A. VCF-style: chr3-47408438-G-A. GRCh37 (hg19) VCF-style: chr3-47449928-G-A.
Other names: c.1278G>A (NM_015466.3); c.900G>A, p.Ala300= (NM_001304482.2).
Identifiers: ClinVar variation 2175834 (VCV002175834.30), dbSNP rs750552043, ClinGen allele CA2365693.
Genomic context (GRCh38, chr3:47,408,438, plus strand): 5'-GACGGTGGACAACCTTGATGCCTACAGCCACATCCCACCCCAGCTCATGGAGAAGTGCGC[G>A]GCTCTCAGCGTCCGGCCCGACACTGTCAGGAACCTTGTACAGTCCATGCAAGGTGAGTAA-3'
Protein context (NP_056281.1, residues 416-436): HIPPQLMEKC[Ala426=]ALSVRPDTVR

ClinVar aggregate classification (germline): Likely benign. Review status: criteria provided, multiple submitters, no conflicts (2 of 4 stars). 5 submissions from 5 submitters: Likely benign (4). 1 of the submissions does not count toward it. Last evaluated 2024-10-27.

Conditions:
Neurodevelopmental disorder and structural brain anomalies with or without seizures and spasticity. Identifiers: MedGen C5394423, MONDO:0030046, OMIM 618890.
PTPN23-related disorder. Also called: PTPN23-related condition.

Allele frequency attached by ClinVar (database versions not stated): gnomAD 0.00001; ExAC 0.00002; TOPMed 0.00004; gnomAD exomes 0.00005.
gnomAD v4.1: 72 of 1,614,000 alleles (0.0045%); highest among the groups gnomAD compares: South Asian, 0.014%; no homozygotes.

Submissions (5):

Labcorp Genetics (formerly Invitae), Labcorp
Classification: Likely benign. Last evaluated: 2024-10-27. Review status: criteria provided, single submitter. Criteria: Invitae Variant Classification Sherloc (09022015). Collection method: clinical testing. Allele origin: germline.

Blueprint Genetics
Classification: Likely benign. Last evaluated: 2024-04-22. Review status: criteria provided, single submitter. Criteria: ACMG Guidelines, 2015. Collection method: clinical testing. Allele origin: germline.

ARUP Laboratories, Molecular Genetics and Genomics, ARUP Laboratories
Classification: Likely benign for Neurodevelopmental disorder and structural brain anomalies with or without seizures and spasticity. Last evaluated: 2023-09-18. Review status: criteria provided, single submitter. Criteria: ARUP Molecular Germline Variant Investigation Process 2024. Collection method: clinical testing. Allele origin: germline.

CeGaT Center for Human Genetics Tuebingen
Classification: Likely benign. Last evaluated: 2022-07-01. Review status: criteria provided, single submitter. Criteria: CeGaT Center For Human Genetics Tuebingen Variant Classification Criteria Version 2. Collection method: clinical testing. Allele origin: germline. Affected: yes. Observed: 1 variant allele.
Comment: PTPN23: BP4, BP7

PreventionGenetics, part of Exact Sciences
Classification: Likely benign for PTPN23-related condition. Last evaluated: 2019-07-19. Review status: no assertion criteria provided. Collection method: clinical testing. Allele origin: germline. Not counted in ClinVar's aggregate classification.
Comment: This variant is classified as likely benign based on ACMG/AMP sequence variant interpretation guidelines (Richards et al. 2015 PMID: 25741868, with internal and published modifications).